The following is an entry in ClinVar:

NM_001378452.1(ITPR1):c.1016C>A (p.Ala339Asp)

Gene: ITPR1 (inositol 1,4,5-trisphosphate receptor type 1; plus strand). Cytogenetic location: 3p26.1.
Variant type: single nucleotide variant.
Coding change: c.1016C>A on transcript NM_001378452.1 (MANE Select); coding-DNA position 1016, C replaced by A.
Protein change: p.Ala339Asp; replaces alanine 339 with aspartic acid.
Molecular consequence: missense variant.
Genome position (GRCh38, 1-based): chr3:4,658,143, C>A. VCF-style: chr3-4658143-C-A. GRCh37 (hg19) VCF-style: chr3-4699827-C-A.
Other names: c.1016C>A, p.Ala339Asp (NM_001099952.4); c.971C>A, p.Ala324Asp (NM_001168272.2, NM_002222.7); short protein forms A324D, A339D.
Identifiers: ClinVar variation 1186241 (VCV001186241.5), dbSNP rs755837192, ClinGen allele CA2231070.

ClinVar aggregate classification (germline): Uncertain significance. Review status: criteria provided, multiple submitters, no conflicts (2 of 4 stars). 2 submissions from 2 submitters: Uncertain significance (2). Last evaluated 2025-06-01.

Allele frequency attached by ClinVar (database versions not stated): gnomAD exomes 0.00003 and 0.00002; ExAC 0.00003.
gnomAD v4.1: 10 of 1,612,928 alleles (0.00062%); highest among the groups gnomAD compares: Admixed American, 0.017%; no homozygotes.

Submissions (2):

Labcorp Genetics (formerly Invitae), Labcorp
Classification: Uncertain significance. Last evaluated: 2025-06-01. Review status: criteria provided, single submitter. Criteria: Invitae Variant Classification Sherloc (09022015). Collection method: clinical testing. Allele origin: germline.
Comment: This sequence change replaces alanine, which is neutral and non-polar, with aspartic acid, which is acidic and polar, at codon 324 of the ITPR1 protein (p.Ala324Asp). This variant is present in population databases (rs755837192, gnomAD 0.02%). This variant has not been reported in the literature in individuals affected with ITPR1-related conditions. ClinVar contains an entry for this variant (Variation ID: 1186241). An algorithm developed to predict the effect of missense changes on protein structure and function (PolyPhen-2) suggests that this variant is likely to be tolerated. In summary, the available evidence is currently insufficient to determine the role of this variant in disease. Therefore, it has been classified as a Variant of Uncertain Significance.

GeneDx
Classification: Uncertain significance. Last evaluated: 2021-05-03. Review status: criteria provided, single submitter. Criteria: GeneDx Variant Classification Process June 2021. Collection method: clinical testing. Allele origin: germline. Affected: yes.
Comment: Has not been previously published as pathogenic or benign to our knowledge; In silico analysis supports that this missense variant does not alter protein structure/function